The following is an entry in ClinVar:

ClinVar aggregate classification (germline): Likely pathogenic (1 of 4 stars; one submission).

Conditions:
Retinal arterial tortuosity. Also called: RETINAL HEMORRHAGE WITH VASCULAR TORTUOSITY; Retinal arteries, tortuosity of. Identifiers: Orphanet 75326, MedGen C0423401, MONDO:0008373, OMIM 180000, HP:0000631.
Hemorrhage, intracerebral, susceptibility to (ICH). Also called: Stroke, hemorrhagic, susceptibility to. Identifiers: MedGen C3281105, MONDO:0100533, OMIM 614519.
Autosomal dominant familial hematuria-retinal arteriolar tortuosity-contractures syndrome. Also called: Angiopathy, hereditary, with nephropathy, aneurysms, and muscle cramps; Hereditary Angiopathy with Nephropathy, Aneurysms, and Muscle Cramps (HANAC) Syndrome. Identifiers: Orphanet 73229, MedGen C2673195, MONDO:0012726, OMIM 611773.
Microangiopathy and leukoencephalopathy, pontine, autosomal dominant. Also called: Pontine autosomal dominant microangiopathy with leukoencephalopathy; DEMENTIA, HEREDITARY MULTI-INFARCT, SWEDISH TYPE. Identifiers: Orphanet 477749, MedGen C5231411, MONDO:0032814, OMIM 618564.
Brain small vessel disease 1 with or without ocular anomalies (BSVD1). Also called: GOULD SYNDROME 1; PORENCEPHALY, TYPE 1, AUTOSOMAL DOMINANT; Brain small vessel disease with or without ocular anomalies; BRAIN SMALL VESSEL DISEASE WITH HEMORRHAGE. Identifiers: Orphanet 2940, Orphanet 36383, Orphanet 99810, MedGen C4755307, MONDO:0008289, OMIM 175780.

Submission:

Juno Genomics, Hangzhou Juno Genomics, Inc
Classification: Likely pathogenic for Retinal arterial tortuosity; Hemorrhage, intracerebral, susceptibility to; Autosomal dominant familial hematuria-retinal arteriolar tortuosity-contractures syndrome; Brain small vessel disease 1 with or without ocular anomalies; Microangiopathy and leukoencephalopathy, pontine, autosomal dominant. Review status: criteria provided, single submitter. Criteria: ACMG Guidelines, 2015. Collection method: clinical testing. Allele origin: germline.
Comment: Null variant in a gene where loss of function (LOF) is a known mechanism of disease.;Absent from controls (or at extremely low frequency if recessive) in Genome Aggregation Database.

NM_001845.6(COL4A1):c.710_717del (p.Ser237fs)

Gene: COL4A1 (collagen type IV alpha 1 chain; minus strand). Cytogenetic location: 13q34.
Variant type: Deletion.
Coding change: c.710_717del on transcript NM_001845.6 (MANE Select); coding-DNA positions 710 to 717, 8 bases deleted (GTGGGCCT; older notation c.710_717delGTGGGCCT).
Protein change: p.Ser237fs; shifts the reading frame from serine 237.
Molecular consequence: frameshift variant.
Genome position (GRCh38, 1-based): chr13:110,207,466-110,207,473, AGGCCCAC deleted on the plus strand (GTGGGCCT on the coding strand, the reverse complement: COL4A1 is on the minus strand). VCF-style (leftmost placement, unchanged base first): chr13-110207465-GAGGCCCAC-G. GRCh37 (hg19) VCF-style: chr13-110859812-GAGGCCCAC-G.
Other names: c.710_717del, p.Ser237fs (NM_001303110.2); short protein forms S237fs.
Identifiers: ClinVar variation 5005223 (VCV005005223.2).